The following is an entry in ClinVar:

NM_024678.6(NARS2):c.665A>G (p.Gln222Arg)

Gene: NARS2 (asparaginyl-tRNA synthetase 2, mitochondrial; minus strand). Cytogenetic location: 11q14.1.
Variant type: single nucleotide variant.
Coding change: c.665A>G on transcript NM_024678.6 (MANE Select); coding-DNA position 665, A replaced by G.
Protein change: p.Gln222Arg; replaces glutamine 222 with arginine.
Molecular consequence: missense variant. On other transcripts: 5 prime UTR variant (1).
Genome position (GRCh38, 1-based): chr11:78,528,866, T>C on the plus strand (A>G on the coding strand, the complement: NARS2 is on the minus strand). VCF-style: chr11-78528866-T-C. GRCh37 (hg19) VCF-style: chr11-78239912-T-C.
Other names: c.-17A>G (NM_001243251.2); short protein forms Q222R.
Identifiers: ClinVar variation 2133758 (VCV002133758.4), dbSNP rs1209240587, ClinGen allele CA382177638.

ClinVar aggregate classification (germline): Uncertain significance (1 of 4 stars; one submission).

Allele frequency attached by ClinVar (database versions not stated): gnomAD exomes below 0.00001.
gnomAD v4.1: 3 of 1,612,028 alleles (0.00019%); highest among the groups gnomAD compares: Non-Finnish European, 0.000085%; no homozygotes.

Submission:

Labcorp Genetics (formerly Invitae), Labcorp
Classification: Uncertain significance. Last evaluated: 2022-08-09. Review status: criteria provided, single submitter. Criteria: Invitae Variant Classification Sherloc (09022015). Collection method: clinical testing. Allele origin: germline.
Comment: This sequence change replaces glutamine, which is neutral and polar, with arginine, which is basic and polar, at codon 222 of the NARS2 protein (p.Gln222Arg). This variant is present in population databases (no rsID available, gnomAD 0.003%). This variant has not been reported in the literature in individuals affected with NARS2-related conditions. Algorithms developed to predict the effect of missense changes on protein structure and function are either unavailable or do not agree on the potential impact of this missense change (SIFT: "Deleterious"; PolyPhen-2: "Probably Damaging"; Align-GVGD: "Class C0"). In summary, the available evidence is currently insufficient to determine the role of this variant in disease. Therefore, it has been classified as a Variant of Uncertain Significance.